The following is an entry in ClinVar:

ClinVar aggregate classification (germline): Pathogenic (1 of 4 stars; one submission).

Submission:

Labcorp Genetics (formerly Invitae), Labcorp
Classification: Pathogenic. Last evaluated: 2023-12-06. Review status: criteria provided, single submitter. Criteria: Invitae Variant Classification Sherloc (09022015). Collection method: clinical testing. Allele origin: germline.
Comment: This sequence change creates a premature translational stop signal (p.Leu172Profs*25) in the SLC1A4 gene. It is expected to result in an absent or disrupted protein product. Loss-of-function variants in SLC1A4 are known to be pathogenic (PMID: 26041762, 27848944, 30125339). This variant is not present in population databases (gnomAD no frequency). This variant has not been reported in the literature in individuals affected with SLC1A4-related conditions. For these reasons, this variant has been classified as Pathogenic.

Literature cited by the submitters: PubMed 26041762; PubMed 27848944; PubMed 30125339.

NM_003038.5(SLC1A4):c.514dup (p.Leu172fs)

Gene: SLC1A4 (solute carrier family 1 member 4; plus strand). Cytogenetic location: 2p14.
Variant type: Duplication.
Coding change: c.514dup on transcript NM_003038.5 (MANE Select); coding-DNA position 514, one base duplicated (C; older notation c.514dupC).
Protein change: p.Leu172fs; shifts the reading frame from leucine 172.
Molecular consequence: frameshift variant. On other transcripts: intron variant (3).
Genome position (GRCh38, 1-based): chr2:64,990,157, C duplicated; the last of 2 consecutive C bases (chr2:64,990,156-64,990,157); duplicating either gives the same sequence. VCF-style (leftmost placement, unchanged base first): chr2-64990155-T-TC. GRCh37 (hg19) VCF-style: chr2-65217289-T-TC.
Other names: c.-134+1537dup (NM_001348406.2, NM_001193493.2); c.-134+1603dup (NM_001348407.2); short protein forms L172fs.
Identifiers: ClinVar variation 2701307 (VCV002701307.3), dbSNP rs2528511199, ClinGen allele CA2697548205.